The following is an entry in ClinVar:

ClinVar aggregate classification (germline): Likely pathogenic (1 of 4 stars; one submission).

Conditions:
Dilated cardiomyopathy 1G (CMD1G). Identifiers: Orphanet 154, MedGen C1858763, MONDO:0011400, OMIM 604145.
Autosomal recessive limb-girdle muscular dystrophy type 2J (LGMDR10). Also called: Limb-girdle muscular dystrophy, type 2J; MUSCULAR DYSTROPHY, LIMB-GIRDLE, AUTOSOMAL RECESSIVE 10. Identifiers: Orphanet 140922, MedGen C1837342, MONDO:0012127, OMIM 608807.

Submission:

Labcorp Genetics (formerly Invitae), Labcorp
Classification: Likely pathogenic for Dilated cardiomyopathy 1G; Autosomal recessive limb-girdle muscular dystrophy type 2J. Last evaluated: 2024-10-18. Review status: criteria provided, single submitter. Criteria: Invitae Variant Classification Sherloc (09022015). Collection method: clinical testing. Allele origin: germline.
Comment: This sequence change creates a premature translational stop signal (p.Ile11237Serfs*102) in the TTN gene. While this is not anticipated to result in nonsense mediated decay, it is expected to create a truncated TTN protein. This variant is not present in population databases (gnomAD no frequency). This variant has not been reported in the literature in individuals affected with TTN-related conditions. ClinVar contains an entry for this variant (Variation ID: 1481135). This variant is located in the I band of TTN (PMID: 25589632). Truncating variants in this region have been reported in individuals affected with autosomal recessive centronuclear myopathy (PMID: 23975875, internal data). Truncating variants in this region have also been identified in individuals affected with autosomal dominant dilated cardiomyopathy and/or cardio-related conditions (PMID: 27869827, 32964742, internal data). In summary, the currently available evidence indicates that the variant is pathogenic, but additional data are needed to prove that conclusively. Therefore, this variant has been classified as Likely Pathogenic.

Literature cited by the submitters: PubMed 25589632; PubMed 23975875; PubMed 27869827; PubMed 32964742.

NM_001267550.2(TTN):c.33710_33725del (p.Ile11237fs)

Gene: TTN (titin; minus strand). Cytogenetic location: 2q31.2.
Variant type: Deletion.
Coding change: c.33710_33725del on transcript NM_001267550.2 (MANE Select); coding-DNA positions 33710 to 33725, 16 bases deleted (TTCCTAAAAAGGAGAA).
Protein change: p.Ile11237fs; shifts the reading frame from isoleucine 11237.
Molecular consequence: frameshift variant. On other transcripts: intron variant (3).
Genome position (GRCh38, 1-based): chr2:178,679,356-178,679,371, TTCTCCTTTTTAGGAA deleted on the plus strand (TTCCTAAAAAGGAGAA on the coding strand, the reverse complement: TTN is on the minus strand); deleting any 16 consecutive bases within chr2:178,679,356-178,679,372 gives the same sequence; the c. name uses the placement nearest the transcript's 3' end. VCF-style (leftmost placement, unchanged base first): chr2-178679355-CTTCTCCTTTTTAGGAA-C. GRCh37 (hg19) VCF-style: chr2-179544082-CTTCTCCTTTTTAGGAA-C.
Other names: c.32759_32774del, p.Ile10920fs (NM_001256850.1); c.29978_29993del, p.Ile9993fs (NM_133378.4); c.13283-37054_13283-37039del (NM_003319.4); c.13859-37054_13859-37039del (NM_133437.4); c.13658-37054_13658-37039del (NM_133432.3); short protein forms I10920fs, I11237fs, I9993fs.
Identifiers: ClinVar variation 1481135 (VCV001481135.6), dbSNP rs2154269652, ClinGen allele CA2573133889.